The following is an entry in ClinVar:

NM_002303.6(LEPR):c.1604-10A>G

Gene: LEPR (leptin receptor; plus strand). Cytogenetic location: 1p31.3.
Variant type: single nucleotide variant.
Coding change: c.1604-10A>G on transcript NM_002303.6 (MANE Select); 10 bases into the intron before coding-DNA position 1604, A replaced by G.
Molecular consequence: intron variant.
Genome position (GRCh38, 1-based): chr1:65,608,743, A>G. VCF-style: chr1-65608743-A-G. GRCh37 (hg19) VCF-style: chr1-66074426-A-G.
Other names: c.1604-10A>G (NM_001003679.3, NM_001003680.3, NM_001198689.2 and 2 more transcripts).
Identifiers: ClinVar variation 3348012 (VCV003348012.1).

ClinVar aggregate classification (germline): Uncertain significance (0 of 4 stars; one submission).

Conditions:
LEPR-related disorder. Also called: LEPR-related condition; LEPR-related disorders.

gnomAD v4.1: 4 of 1,611,896 alleles (0.00025%); highest among the groups gnomAD compares: Non-Finnish European, 0.00034%; no homozygotes.

Submission:

PreventionGenetics, part of Exact Sciences
Classification: Uncertain significance for LEPR-related condition. Last evaluated: 2023-11-07. Review status: no assertion criteria provided. Collection method: clinical testing. Allele origin: germline.
Comment: The LEPR c.1604-10A>G variant is predicted to interfere with splicing. To our knowledge, this variant has not been reported in the literature or in a large population database, indicating this variant is rare. However, the use of computer prediction programs is not equivalent to functional evidence, and therefore the clinical significance of this variant is uncertain.